The following is an entry in ClinVar:

ClinVar aggregate classification (germline): Conflicting classifications of pathogenicity. Review status: criteria provided, conflicting classifications (1 of 4 stars). 2 submissions from 2 submitters: Uncertain significance (1); Likely benign (1). Last evaluated 2026-06-02.

Conditions:
ALMS1-related disorder. Also called: ALMS1-related condition.
Cardiovascular phenotype. Identifiers: MedGen CN230736.

Allele frequency attached by ClinVar (database versions not stated): ExAC 0.00002.
gnomAD v4.1: 10 of 1,613,918 alleles (0.00062%); highest among the groups gnomAD compares: Middle Eastern, 0.017%; no homozygotes.

Submissions (2):

PreventionGenetics, part of Exact Sciences
Classification: Uncertain significance for ALMS1-related condition. Last evaluated: 2026-06-02. Review status: criteria provided, single submitter. Criteria: ACMG Guidelines, 2015. Collection method: clinical testing. Allele origin: germline.
Comment: The ALMS1 c.5144A>G variant is predicted to result in the amino acid substitution p.Glu1715Gly. To our knowledge, this variant has not been reported in the literature. This variant is reported in 0.0027% of alleles in individuals of European (Non-Finnish) descent in gnomAD. At this time, the clinical significance of this variant is uncertain due to the absence of conclusive functional and genetic evidence.

Ambry Genetics
Classification: Likely benign for Cardiovascular phenotype. Last evaluated: 2024-01-05. Review status: criteria provided, single submitter. Criteria: Ambry Variant Classification Scheme 2023. Collection method: clinical testing. Allele origin: germline.

NM_001378454.1(ALMS1):c.5141A>G (p.Tyr1714Cys)

Gene: ALMS1 (ALMS1 centrosome and basal body associated protein; plus strand). Cytogenetic location: 2p13.1.
Variant type: single nucleotide variant.
Coding change: c.5141A>G on transcript NM_001378454.1 (MANE Select); coding-DNA position 5141, A replaced by G.
Protein change: p.Tyr1714Cys; replaces tyrosine 1714 with cysteine.
Molecular consequence: missense variant.
Genome position (GRCh38, 1-based): chr2:73,451,668, A>G. VCF-style: chr2-73451668-A-G. GRCh37 (hg19) VCF-style: chr2-73678795-A-G.
Other names: c.5144A>G, p.Tyr1715Cys (NM_015120.4); short protein forms Y1714C, Y1715C.
Identifiers: ClinVar variation 3226617 (VCV003226617.2), dbSNP rs748558411, ClinGen allele CA1713828.
Genomic context (GRCh38, chr2:73,451,668, plus strand): 5'-TTCCTGGACCAGATGCCCAGAAGACTGAGACACCATCAGTATCCTCTAGTTTATACTCAT[A>G]TAGAGAGAAGCCCATTGTCTTCTACCAACAGGCCCTGCCAGACAGTGAGCTAACTCAAGA-3'
Protein context (NP_001365383.1, residues 1704-1724): TPSVSSSLYS[Tyr1714Cys]REKPIVFYQQ